The following is an entry in ClinVar:

ClinVar aggregate classification (germline): Uncertain significance (1 of 4 stars; one submission).

Conditions:
Hereditary cancer-predisposing syndrome. Also called: Tumor predisposition; Hereditary neoplastic syndrome; Neoplastic Syndromes, Hereditary; Hereditary Cancer Syndrome. Identifiers: Orphanet 140162, MedGen C0027672, MeSH D009386, MONDO:0015356.

Submission:

Ambry Genetics
Classification: Uncertain significance for Hereditary cancer-predisposing syndrome. Last evaluated: 2025-07-19. Review status: criteria provided, single submitter. Criteria: Ambry Variant Classification Scheme 2023. Collection method: clinical testing. Allele origin: germline.
Comment: The p.I48T variant (also known as c.143T>C), located in coding exon 2 of the SDHAF2 gene, results from a T to C substitution at nucleotide position 143. The isoleucine at codon 48 is replaced by threonine, an amino acid with similar properties. This amino acid position is not well conserved in available vertebrate species. In addition, this alteration is predicted to be tolerated by in silico analysis. Based on the available evidence, the clinical significance of this variant remains unclear.

NM_017841.4(SDHAF2):c.143T>C (p.Ile48Thr)

Gene: SDHAF2 (succinate dehydrogenase complex assembly factor 2; plus strand). Cytogenetic location: 11q12.2.
Variant type: single nucleotide variant.
Coding change: c.143T>C on transcript NM_017841.4 (MANE Select); coding-DNA position 143, T replaced by C.
Protein change: p.Ile48Thr; replaces isoleucine 48 with threonine.
Molecular consequence: missense variant.
Genome position (GRCh38, 1-based): chr11:61,437,731, T>C. VCF-style: chr11-61437731-T-C. GRCh37 (hg19) VCF-style: chr11-61205203-T-C.
Other names: short protein forms I48T.
Identifiers: ClinVar variation 819221 (VCV000819221.5), dbSNP rs1590764818, ClinGen allele CA380683305.